The following is an entry in ClinVar:

NM_005422.4(TECTA):c.3728G>A (p.Arg1243His)

Genes: TBCEL-TECTA (TBCEL-TECTA readthrough; plus strand), TECTA (tectorin alpha; plus strand). Cytogenetic location: 11q23.3.
Variant type: single nucleotide variant.
Coding change: c.3728G>A on transcript NM_005422.4 (MANE Select); coding-DNA position 3728, G replaced by A.
Protein change: p.Arg1243His; replaces arginine 1243 with histidine.
Molecular consequence: missense variant.
Genome position (GRCh38, 1-based): chr11:121,145,739, G>A. VCF-style: chr11-121145739-G-A. GRCh37 (hg19) VCF-style: chr11-121016448-G-A.
Other names: c.4685G>A, p.Arg1562His (NM_001378761.1); short protein forms R1243H, R1562H.
Identifiers: ClinVar variation 303018 (VCV000303018.12), dbSNP rs376745254, ClinGen allele CA6327279.

ClinVar aggregate classification (germline): Conflicting classifications of pathogenicity. Review status: criteria provided, conflicting classifications (1 of 4 stars). 5 submissions from 4 submitters: Uncertain significance (4); Benign (1). Last evaluated 2026-02-25.

Conditions:
TECTA-related disorder. Also called: TECTA-related condition.
Autosomal dominant nonsyndromic hearing loss 12. Also called: DEAFNESS, AUTOSOMAL DOMINANT 8. Identifiers: Orphanet 90635, MedGen C1832187, MONDO:0011102, OMIM 601543.
Autosomal recessive nonsyndromic hearing loss 21. Identifiers: Orphanet 90636, MedGen C1863655, MONDO:0011351, OMIM 603629.

Allele frequency attached by ClinVar (database versions not stated): gnomAD exomes 0.00002 and 0.00004; ExAC 0.00006; ESP Exome Variant Server 0.00008; gnomAD 0.00009; TOPMed 0.00013; 1000 Genomes Project 30x 0.00031; 1000 Genomes Project 0.00040.
gnomAD v4.1: 46 of 1,614,212 alleles (0.0028%); highest among the groups gnomAD compares: African/African-American, 0.025%; no homozygotes.

Submissions (5):

PreventionGenetics, part of Exact Sciences
Classification: Uncertain significance for TECTA-related condition. Last evaluated: 2026-02-25. Review status: criteria provided, single submitter. Criteria: ACMG Guidelines, 2015. Collection method: clinical testing. Allele origin: germline.
Comment: The TECTA c.3728G>A variant is predicted to result in the amino acid substitution p.Arg1243His. To our knowledge, this variant has not been reported in the literature in a patient with a TECTA related disorder. This variant is reported in 0.040% of alleles in individuals of African descent in gnomAD. At this time, the clinical significance of this variant is uncertain due to the absence of conclusive functional and genetic evidence.

GeneDx
Classification: Uncertain significance. Last evaluated: 2026-01-30. Review status: criteria provided, single submitter. Criteria: GeneDx Variant Classification Process June 2021. Collection method: clinical testing. Allele origin: germline. Affected: yes.
Comment: In silico analysis suggests that this missense variant does not alter protein structure/function; Has not been previously reported as pathogenic or benign in relation to a hearing loss phenotype to our knowledge; This variant is associated with the following publications: (PMID: 21520338, 9590290, 31554319, 32368696)

Labcorp Genetics (formerly Invitae), Labcorp
Classification: Benign. Last evaluated: 2025-03-30. Review status: criteria provided, single submitter. Criteria: Invitae Variant Classification Sherloc (09022015). Collection method: clinical testing. Allele origin: germline.

Illumina Laboratory Services, Illumina
Classification: Uncertain significance for Autosomal recessive nonsyndromic hearing loss 21. Last evaluated: 2018-01-13. Review status: criteria provided, single submitter. Criteria: ICSL Variant Classification Criteria 13 December 2019. Collection method: clinical testing. Allele origin: germline.

Illumina Laboratory Services, Illumina
Classification: Uncertain significance for Autosomal dominant nonsyndromic hearing loss 12. Last evaluated: 2018-01-13. Review status: criteria provided, single submitter. Criteria: ICSL Variant Classification Criteria 13 December 2019. Collection method: clinical testing. Allele origin: germline.